The following is an entry in ClinVar:

ClinVar aggregate classification (germline): Pathogenic. Review status: criteria provided, single submitter (1 of 4 stars). 2 submissions from 2 submitters: Pathogenic (1). 1 of the submissions does not count toward it. Last evaluated 2024-05-22.

Conditions:
Granulomatous disease, chronic, X-linked. Also called: CYTOCHROME b-NEGATIVE GRANULOMATOUS DISEASE, CHRONIC, X-LINKED; GRANULOMATOUS DISEASE, CHRONIC, X-LINKED, SOMATIC MOSAIC. Identifiers: Orphanet 379, MedGen C1844376, MONDO:0010600, OMIM 306400.

Submissions (2):

Labcorp Genetics (formerly Invitae), Labcorp
Classification: Pathogenic for Granulomatous disease, chronic, X-linked. Last evaluated: 2024-05-22. Review status: criteria provided, single submitter. Criteria: Invitae Variant Classification Sherloc (09022015). Collection method: clinical testing. Allele origin: germline.
Comment: This sequence change replaces glycine, which is neutral and non-polar, with arginine, which is basic and polar, at codon 179 of the CYBB protein (p.Gly179Arg). This variant is not present in population databases (gnomAD no frequency). This missense change has been observed in individuals with chronic granulomatous disease (PMID: 9794433, 35945378; Invitae). ClinVar contains an entry for this variant (Variation ID: 68395). Advanced modeling of protein sequence and biophysical properties (such as structural, functional, and spatial information, amino acid conservation, physicochemical variation, residue mobility, and thermodynamic stability) performed at Invitae indicates that this missense variant is expected to disrupt CYBB protein function with a positive predictive value of 80%. Experimental studies have shown that this missense change affects CYBB function (PMID: 9794433). This variant disrupts the p.Gly179 amino acid residue in CYBB. Other variant(s) that disrupt this residue have been determined to be pathogenic (PMID: 20729109; Invitae). This suggests that this residue is clinically significant, and that variants that disrupt this residue are likely to be disease-causing. For these reasons, this variant has been classified as Pathogenic.

UniProtKB/Swiss-Prot
No classification provided. Review status: no classification provided. Collection method: not provided. Allele origin: not provided. Not counted in ClinVar's aggregate classification.

Literature cited by the submitters: PubMed 9794433 (cited by Labcorp Genetics (formerly Invitae), Labcorp); PubMed 35945378 (cited by Labcorp Genetics (formerly Invitae), Labcorp); PubMed 20729109 (cited by Labcorp Genetics (formerly Invitae), Labcorp).

NM_000397.4(CYBB):c.535G>A (p.Gly179Arg)

Gene: CYBB (cytochrome b-245 beta chain; plus strand). Cytogenetic location: Xp21.1.
Variant type: single nucleotide variant.
Coding change: c.535G>A on transcript NM_000397.4 (MANE Select); coding-DNA position 535, G replaced by A.
Protein change: p.Gly179Arg; replaces glycine 179 with arginine.
Molecular consequence: missense variant.
Genome position (GRCh38, 1-based): chrX:37,796,002, G>A. VCF-style: chrX-37796002-G-A. GRCh37 (hg19) VCF-style: chrX-37655255-G-A.
Other names: short protein forms G179R.
Identifiers: ClinVar variation 68395 (VCV000068395.3), dbSNP rs151344491, ClinGen allele CA219722.